The following is an entry in ClinVar:

NM_001165963.4(SCN1A):c.914T>C (p.Ile305Thr)

Gene: SCN1A (sodium voltage-gated channel alpha subunit 1; minus strand). Cytogenetic location: 2q24.3.
Variant type: single nucleotide variant.
Coding change: c.914T>C on transcript NM_001165963.4 (MANE Select); coding-DNA position 914, T replaced by C.
Protein change: p.Ile305Thr; replaces isoleucine 305 with threonine.
Molecular consequence: missense variant. On other transcripts: 5 prime UTR variant (1), non-coding transcript variant (1).
Genome position (GRCh38, 1-based): chr2:166,051,769, A>G on the plus strand (T>C on the coding strand, the complement: SCN1A is on the minus strand). VCF-style: chr2-166051769-A-G. GRCh37 (hg19) VCF-style: chr2-166908279-A-G.
Other names: c.914T>C, p.Ile305Thr (NM_001353954.2, NM_001353955.2, NM_001353957.2 and 10 more transcripts); c.-1512T>C (NM_001353961.2); c.914T>C (NM_001165963.1); short protein forms I305T.
Identifiers: ClinVar variation 2733671 (VCV002733671.5), dbSNP rs770462475, ClinGen allele CA1943417.

ClinVar aggregate classification (germline): Conflicting classifications of pathogenicity. Review status: criteria provided, conflicting classifications (1 of 4 stars). 3 submissions from 3 submitters: Uncertain significance (2); Likely benign (1). Last evaluated 2025-12-01.

Conditions:
Inborn genetic diseases. Identifiers: MedGen C0950123, MeSH D030342.
Early-infantile DEE. Also called: Early infantile epileptic encephalopathy; Early infantile epileptic encephalopathy with suppression bursts; Ohtahara syndrome. Identifiers: Orphanet 1934, MedGen C0393706, MONDO:0800491.

Allele frequency attached by ClinVar (database versions not stated): TOPMed 0.00003; ExAC 0.00001; gnomAD exomes below 0.00001; gnomAD 0.00003.
gnomAD v4.1: 6 of 1,610,010 alleles (0.00037%); highest among the groups gnomAD compares: Admixed American, 0.0033%; no homozygotes.

Submissions (3):

Labcorp Genetics (formerly Invitae), Labcorp
Classification: Likely benign for Early-infantile DEE. Last evaluated: 2025-12-01. Review status: criteria provided, single submitter. Criteria: Invitae Variant Classification Sherloc (09022015). Collection method: clinical testing. Allele origin: germline.

GeneDx
Classification: Uncertain significance. Last evaluated: 2024-12-30. Review status: criteria provided, single submitter. Criteria: GeneDx Variant Classification Process June 2021. Collection method: clinical testing. Allele origin: germline. Affected: yes.
Comment: Not observed at significant frequency in large population cohorts (gnomAD); In silico analysis indicates that this missense variant does not alter protein structure/function; This substitution is predicted to be within the extracellular loop between the S5 and S6 transmembrane segments of the first homologous domain; Has not been previously published as pathogenic or benign to our knowledge

Ambry Genetics
Classification: Uncertain significance for Inborn genetic diseases. Last evaluated: 2024-01-23. Review status: criteria provided, single submitter. Criteria: Ambry Variant Classification Scheme 2023. Collection method: clinical testing. Allele origin: germline.